The following is an entry in ClinVar:

ClinVar aggregate classification (germline): Uncertain significance (1 of 4 stars; one submission).

Conditions:
Baller-Gerold syndrome (BGS). Also called: CRANIOSYNOSTOSIS WITH RADIAL DEFECTS. Identifiers: Orphanet 1225, MedGen C0265308, MONDO:0009039, OMIM 218600.

Submission:

Labcorp Genetics (formerly Invitae), Labcorp
Classification: Uncertain significance for Baller-Gerold syndrome. Last evaluated: 2023-10-10. Review status: criteria provided, single submitter. Criteria: Invitae Variant Classification Sherloc (09022015). Collection method: clinical testing. Allele origin: germline.
Comment: This sequence change replaces arginine, which is basic and polar, with leucine, which is neutral and non-polar, at codon 43 of the RECQL4 protein (p.Arg43Leu). This variant is not present in population databases (gnomAD no frequency). This variant has not been reported in the literature in individuals affected with RECQL4-related conditions. ClinVar contains an entry for this variant (Variation ID: 1482435). Experimental studies and prediction algorithms are not available or were not evaluated, and the functional significance of this variant is currently unknown. In summary, the available evidence is currently insufficient to determine the role of this variant in disease. Therefore, it has been classified as a Variant of Uncertain Significance.

NM_004260.4(RECQL4):c.128G>T (p.Arg43Leu)

Genes: RECQL4 (RecQ like helicase 4; minus strand), LOC130001411 (ATAC-STARR-seq lymphoblastoid silent region 19699; plus strand). Cytogenetic location: 8q24.3.
Variant type: single nucleotide variant.
Coding change: c.128G>T on transcript NM_004260.4 (MANE Select); coding-DNA position 128, G replaced by T.
Protein change: p.Arg43Leu; replaces arginine 43 with leucine.
Molecular consequence: missense variant.
Genome position (GRCh38, 1-based): chr8:144,517,499, C>A on the plus strand (G>T on the coding strand, the complement: RECQL4 is on the minus strand). VCF-style: chr8-144517499-C-A. GRCh37 (hg19) VCF-style: chr8-145742883-C-A.
Other names: short protein forms R43L.
Identifiers: ClinVar variation 1482435 (VCV001482435.6), dbSNP rs1169021603, ClinGen allele CA372692775.